The following is an entry in ClinVar:

NM_018012.4(KIF26B):c.5525C>A (p.Ala1842Glu)

Gene: KIF26B (kinesin family member 26B; plus strand). Cytogenetic location: 1q44.
Variant type: single nucleotide variant.
Coding change: c.5525C>A on transcript NM_018012.4 (MANE Select); coding-DNA position 5525, C replaced by A.
Protein change: p.Ala1842Glu; replaces alanine 1842 with glutamic acid.
Molecular consequence: missense variant.
Genome position (GRCh38, 1-based): chr1:245,688,508, C>A. VCF-style: chr1-245688508-C-A. GRCh37 (hg19) VCF-style: chr1-245851810-C-A.
Other names: short protein forms A1842E.
Identifiers: ClinVar variation 3033485 (VCV003033485.2), dbSNP rs375566316, ClinGen allele CA1488683.

ClinVar aggregate classification (germline): Benign (0 of 4 stars; one submission).

Conditions:
KIF26B-related disorder. Also called: KIF26B-related condition.

Allele frequency attached by ClinVar (database versions not stated): ExAC 0.00040; 1000 Genomes Project 0.00220; 1000 Genomes Project 30x 0.00297.
gnomAD v4.1: 219 of 1,493,098 alleles (0.015%); highest among the groups gnomAD compares: East Asian, 0.57%; 2 homozygotes.

Submission:

PreventionGenetics, part of Exact Sciences
Classification: Benign for KIF26B-related condition. Last evaluated: 2019-06-17. Review status: no assertion criteria provided. Collection method: clinical testing. Allele origin: germline.
Comment: This variant is classified as benign based on ACMG/AMP sequence variant interpretation guidelines (Richards et al. 2015 PMID: 25741868, with internal and published modifications).